The following is an entry in ClinVar:

NM_007294.4(BRCA1):c.567T>C (p.Asp189=)

Gene: BRCA1 (BRCA1 DNA repair associated; minus strand). Cytogenetic location: 17q21.31.
Variant type: single nucleotide variant.
Coding change: c.567T>C on transcript NM_007294.4 (MANE Select); coding-DNA position 567, T replaced by C.
Protein change: p.Asp189=; no amino-acid change (aspartic acid 189 retained).
Molecular consequence: synonymous variant. On other transcripts: intron variant (115).
Genome position (GRCh38, 1-based): chr17:43,097,270, A>G on the plus strand (T>C on the coding strand, the complement: BRCA1 is on the minus strand). VCF-style: chr17-43097270-A-G. GRCh37 (hg19) VCF-style: chr17-41249287-A-G.
Other names: D189D; c.567T>C, p.Asp189= (NM_001407975.1, NM_001407976.1, NM_001407977.1 and 59 more transcripts); c.564T>C, p.Asp188= (NM_001407984.1, NM_001407985.1, NM_001407986.1 and 41 more transcripts); c.558T>C, p.Asp186= (NM_001408408.1, NM_001407646.1, NM_001407647.1); c.489T>C, p.Asp163= (NM_001408409.1, NM_001408411.1, NM_001408412.1 and 9 more transcripts); c.426T>C, p.Asp142= (NM_001408410.1, NM_001408452.1, NM_001408453.1 and 43 more transcripts); c.486T>C, p.Asp162= (NM_001408413.1, NM_001408416.1, NM_001407659.1 and 3 more transcripts); c.432T>C, p.Asp144= (NM_001408451.1); and 18 more.
Identifiers: ClinVar variation 55639 (VCV000055639.4), dbSNP rs80356845, ClinGen allele CA003739.

ClinVar aggregate classification (germline): Likely benign. Review status: reviewed by expert panel (3 of 4 stars). 2 submissions from 2 submitters: Likely benign (1). 1 of the submissions does not count toward it. Last evaluated 2017-06-29.

Conditions:
Breast-ovarian cancer, familial, susceptibility to, 1 (BROVCA1). Also called: BRCA1 Hereditary Breast and Ovarian Cancer; OVARIAN CANCER, SUSCEPTIBILITY TO. Identifiers: Orphanet 145, MedGen C2676676, MONDO:0011450, OMIM 604370. Disease mechanism: loss of function.

Submissions (2):

Evidence-based Network for the Interpretation of Germline Mutant Alleles (ENIGMA)
Classification: Likely benign for Breast-ovarian cancer, familial, susceptibility to, 1. Last evaluated: 2017-06-29. Review status: reviewed by expert panel. Criteria: ENIGMA BRCA1/2 Classification Criteria (2017-06-29). Collection method: curation. Allele origin: germline.
Comment: Synonymous substitution variant, with low bioinformatic likelihood to result in a splicing aberration (Splicing prior probability 0.02).

Breast Cancer Information Core (BIC) (BRCA1)
Classification: Uncertain significance for Breast-ovarian cancer, familial 1. Last evaluated: 2002-08-23. Review status: no assertion criteria provided. Collection method: clinical testing. Allele origin: germline. Affected: yes. Observed: 1 variant allele. Not counted in ClinVar's aggregate classification.

Literature cited by the submitters: Ladopolou-et-al.,-Cancer-Lett,-185:61,-2002 (cited by Breast Cancer Information Core (BIC) (BRCA1)).